The following is an entry in ClinVar:

NM_001276345.2(TNNT2):c.694G>T (p.Asp232Tyr)

Gene: TNNT2 (troponin T2, cardiac type; minus strand). Cytogenetic location: 1q32.1.
Variant type: single nucleotide variant.
Coding change: c.694G>T on transcript NM_001276345.2 (MANE Select); coding-DNA position 694, G replaced by T.
Protein change: p.Asp232Tyr; replaces aspartic acid 232 with tyrosine.
Molecular consequence: missense variant.
Genome position (GRCh38, 1-based): chr1:201,361,938, C>A on the plus strand (G>T on the coding strand, the complement: TNNT2 is on the minus strand). VCF-style: chr1-201361938-C-A. GRCh37 (hg19) VCF-style: chr1-201331066-C-A.
Other names: c.685G>T, p.Asp229Tyr (NM_000364.4); c.664G>T, p.Asp222Tyr (NM_001001430.3, NM_001276347.2); c.655G>T, p.Asp219Tyr (NM_001001431.3); c.646G>T, p.Asp216Tyr (NM_001001432.3); c.565G>T, p.Asp189Tyr (NM_001276346.2); c.664G>T (NM_001001430.1); short protein forms D229Y, D219Y, D222Y, D189Y, D216Y, D232Y.
Identifiers: ClinVar variation 1423356 (VCV001423356.10), dbSNP rs1658720414, ClinGen allele CA344203600.
Genomic context (GRCh38, chr1:201,361,938, plus strand): 5'-GGCAGTGCCCCAGGACCATTCCTCCCAGCCCCCACCTCAGCTGATCTTCATTCAGGTGGT[C>A]AATGGCCAGCACCTTCCTCCTCTCAGCCAGAATCTTCTTCTTCTTTTCCCGCTCAGTCTG-3'
Protein context (NP_001263274.1, residues 222-242): LAERRKVLAI[Asp232Tyr]HLNEDQLREK

ClinVar aggregate classification (germline): Conflicting classifications of pathogenicity. Review status: criteria provided, conflicting classifications (1 of 4 stars). 4 submissions from 4 submitters: Likely pathogenic (1); Uncertain significance (3). Last evaluated 2026-04-24.

Conditions:
Hypertrophic cardiomyopathy 2. Also called: TNNT2-Related Familial Hypertrophic Cardiomyopathy. Identifiers: MedGen C1861864, MONDO:0007266, OMIM 115195.
Dilated cardiomyopathy 1D. Identifiers: Orphanet 154, Orphanet 54260, MedGen C1832243, MONDO:0011095, OMIM 601494.
Cardiomyopathy, familial restrictive, 3. Identifiers: Orphanet 75249, MedGen C2676271, MONDO:0012900, OMIM 612422.
TNNT2-related disorder. Also called: TNNT2-related condition.
Cardiovascular phenotype. Identifiers: MedGen CN230736.

Allele frequency attached by ClinVar (database versions not stated): gnomAD exomes below 0.00001; gnomAD 0.00001.
gnomAD v4.1: 4 of 1,614,088 alleles (0.00025%); highest among the groups gnomAD compares: African/African-American, 0.0053%; no homozygotes.

Submissions (4):

Ambry Genetics
Classification: Uncertain significance for Cardiovascular phenotype. Last evaluated: 2026-04-24. Review status: criteria provided, single submitter. Criteria: Ambry Variant Classification Scheme 2023. Collection method: clinical testing. Allele origin: germline.
Comment: The p.D222Y variant (also known as c.664G>T), located in coding exon 12 of the TNNT2 gene, results from a G to T substitution at nucleotide position 664. The aspartic acid at codon 222 is replaced by tyrosine, an amino acid with highly dissimilar properties. This amino acid position is well conserved in available vertebrate species. In addition, this alteration is predicted to be deleterious by in silico analysis. Based on the available evidence, the clinical significance of this variant remains unclear.

Clinical Genetics Laboratory, Skane University Hospital Lund
Classification: Uncertain significance. Last evaluated: 2023-10-31. Review status: criteria provided, single submitter. Criteria: ACMG Guidelines, 2015. Collection method: clinical testing. Allele origin: germline. Affected: yes.

Labcorp Genetics (formerly Invitae), Labcorp
Classification: Uncertain significance for Cardiomyopathy, familial restrictive, 3; Hypertrophic cardiomyopathy 2; Dilated cardiomyopathy 1D. Last evaluated: 2021-07-07. Review status: criteria provided, single submitter. Criteria: Invitae Variant Classification Sherloc (09022015). Collection method: clinical testing. Allele origin: germline.
Comment: This sequence change replaces aspartic acid with tyrosine at codon 222 of the TNNT2 protein (p.Asp222Tyr). The aspartic acid residue is moderately conserved and there is a large physicochemical difference between aspartic acid and tyrosine. In summary, the available evidence is currently insufficient to determine the role of this variant in disease. Therefore, it has been classified as a Variant of Uncertain Significance. Algorithms developed to predict the effect of missense changes on protein structure and function are either unavailable or do not agree on the potential impact of this missense change (SIFT: "Deleterious"; PolyPhen-2: "Probably Damaging"; Align-GVGD: "Class C0"). This variant has not been reported in the literature in individuals affected with TNNT2-related conditions. This variant is not present in population databases (ExAC no frequency).

Blueprint Genetics
Classification: Likely pathogenic for TNNT2-related disorders. Last evaluated: 2019-04-03. Review status: criteria provided, single submitter. Criteria: ACMG Guidelines, 2015. Collection method: clinical testing. Allele origin: germline. Affected: yes. Observed: 2 variant alleles.